The following is an entry in ClinVar:

ClinVar aggregate classification (germline): Benign. Review status: criteria provided, multiple submitters, no conflicts (2 of 4 stars). 3 submissions from 3 submitters: Benign (3). Last evaluated 2023-11-12.

Allele frequency attached by ClinVar (database versions not stated): 1000 Genomes Project 30x 0.41209; 1000 Genomes Project 0.41374; TOPMed 0.47302; gnomAD 0.50071 and 0.50278; gnomAD exomes 0.61359.
gnomAD v4.1: 945,847 of 1,573,286 alleles (60%); highest among the groups gnomAD compares: Non-Finnish European, 64%; 293,576 homozygotes.

Submissions (3):

Unidad de Genómica Garrahan, Hospital de Pediatría Garrahan
Classification: Benign. Last evaluated: 2023-11-12. Review status: criteria provided, single submitter. Criteria: ACMG Guidelines, 2015. Collection method: clinical testing. Allele origin: germline. Affected: no. Observed: 65 variant alleles.
Comment: This variant is classified as Benign based on local population frequency. This variant was detected in 68% of patients studied by a panel of primary immunodeficiencies. Number of patients: 65. Only high quality variants are reported.

GeneDx
Classification: Benign. Last evaluated: 2018-06-23. Review status: criteria provided, single submitter. Criteria: GeneDx Variant Classification Process June 2021. Collection method: clinical testing. Allele origin: germline. Affected: yes.

Breakthrough Genomics
Classification: Benign. Review status: criteria provided, single submitter. Criteria: ACMG Guidelines, 2015. Collection method: not provided. Allele origin: germline. Inheritance: Unknown mechanism. Affected: yes.

NM_024782.3(NHEJ1):c.391-59C>G

Gene: NHEJ1 (non-homologous end joining factor 1; minus strand). Cytogenetic location: 2q35.
Variant type: single nucleotide variant.
Coding change: c.391-59C>G on transcript NM_024782.3 (MANE Select); 59 bases into the intron before coding-DNA position 391, C replaced by G.
Molecular consequence: intron variant.
Genome position (GRCh38, 1-based): chr2:219,147,854, G>C on the plus strand (C>G on the coding strand, the complement: NHEJ1 is on the minus strand). VCF-style: chr2-219147854-G-C. GRCh37 (hg19) VCF-style: chr2-220012576-G-C.
Other names: c.391-59C>G (NM_001377499.1, NM_001377498.1).
Identifiers: ClinVar variation 1243280 (VCV001243280.5), dbSNP rs7585742, ClinGen allele CA11098324.